The following is an entry in ClinVar:

NM_205836.3(FBXO38):c.2224A>T (p.Thr742Ser)

Gene: FBXO38 (F-box protein 38; plus strand). Cytogenetic location: 5q32.
Variant type: single nucleotide variant.
Coding change: c.2224A>T on transcript NM_205836.3 (MANE Select); coding-DNA position 2224, A replaced by T.
Protein change: p.Thr742Ser; replaces threonine 742 with serine.
Molecular consequence: missense variant. On other transcripts: intron variant (1).
Genome position (GRCh38, 1-based): chr5:148,427,518, A>T. VCF-style: chr5-148427518-A-T. GRCh37 (hg19) VCF-style: chr5-147807081-A-T.
Other names: c.2224A>T, p.Thr742Ser (NM_030793.5); c.1918+1817A>T (NM_001271723.2); short protein forms T742S.
Identifiers: ClinVar variation 3705247 (VCV003705247.2).

ClinVar aggregate classification (germline): Uncertain significance (1 of 4 stars; one submission).

Conditions:
Distal hereditary motor neuropathy type 2. Identifiers: Orphanet 139525, MedGen C3711384, MeSH C580044, MONDO:0015352.

Submission:

Labcorp Genetics (formerly Invitae), Labcorp
Classification: Uncertain significance for Distal hereditary motor neuropathy type 2. Last evaluated: 2025-01-28. Review status: criteria provided, single submitter. Criteria: Invitae Variant Classification Sherloc (09022015). Collection method: clinical testing. Allele origin: germline.
Comment: This sequence change replaces threonine, which is neutral and polar, with serine, which is neutral and polar, at codon 742 of the FBXO38 protein (p.Thr742Ser). This variant is not present in population databases (gnomAD no frequency). This variant has not been reported in the literature in individuals affected with FBXO38-related conditions. Invitae Evidence Modeling of protein sequence and biophysical properties (such as structural, functional, and spatial information, amino acid conservation, physicochemical variation, residue mobility, and thermodynamic stability) indicates that this missense variant is not expected to disrupt FBXO38 protein function with a negative predictive value of 80%. In summary, the available evidence is currently insufficient to determine the role of this variant in disease. Therefore, it has been classified as a Variant of Uncertain Significance.